The following is an entry in ClinVar:

ClinVar aggregate classification (germline): Uncertain significance. Review status: criteria provided, multiple submitters, no conflicts (2 of 4 stars). 2 submissions from 2 submitters: Uncertain significance (2). Last evaluated 2025-05-12.

Conditions:
Inborn genetic diseases. Identifiers: MedGen C0950123, MeSH D030342.

gnomAD v4.1: 82 of 1,601,422 alleles (0.0051%); highest among the groups gnomAD compares: Non-Finnish European, 0.0069%; no homozygotes.

Submissions (2):

Labcorp Genetics (formerly Invitae), Labcorp
Classification: Uncertain significance. Last evaluated: 2025-05-12. Review status: criteria provided, single submitter. Criteria: Invitae Variant Classification Sherloc (09022015). Collection method: clinical testing. Allele origin: germline.
Comment: This sequence change replaces aspartic acid, which is acidic and polar, with asparagine, which is neutral and polar, at codon 373 of the MYO3A protein (p.Asp373Asn). This variant is present in population databases (rs747146162, gnomAD 0.006%). This variant has not been reported in the literature in individuals affected with MYO3A-related conditions. Invitae Evidence Modeling of protein sequence and biophysical properties (such as structural, functional, and spatial information, amino acid conservation, physicochemical variation, residue mobility, and thermodynamic stability) indicates that this missense variant is not expected to disrupt MYO3A protein function with a negative predictive value of 80%. In summary, the available evidence is currently insufficient to determine the role of this variant in disease. Therefore, it has been classified as a Variant of Uncertain Significance.

Ambry Genetics
Classification: Uncertain significance for Inborn genetic diseases. Last evaluated: 2025-04-05. Review status: criteria provided, single submitter. Criteria: Ambry Variant Classification Scheme 2023. Collection method: clinical testing. Allele origin: germline.

NM_017433.5(MYO3A):c.1117G>A (p.Asp373Asn)

Gene: MYO3A (myosin IIIA; plus strand). Cytogenetic location: 10p12.1.
Variant type: single nucleotide variant.
Coding change: c.1117G>A on transcript NM_017433.5 (MANE Select); coding-DNA position 1117, G replaced by A.
Protein change: p.Asp373Asn; replaces aspartic acid 373 with asparagine.
Molecular consequence: missense variant.
Genome position (GRCh38, 1-based): chr10:26,068,831, G>A. VCF-style: chr10-26068831-G-A. GRCh37 (hg19) VCF-style: chr10-26357760-G-A.
Other names: short protein forms D373N.
Identifiers: ClinVar variation 3916194 (VCV003916194.2).